The following is an entry in ClinVar:

ClinVar aggregate classification (germline): Uncertain significance (1 of 4 stars; one submission).

Conditions:
Acroosteolysis-keloid-like lesions-premature aging syndrome. Also called: Premature aging syndrome, Penttinen type; Prematurely aged appearance, delayed bone maturation, acro-osteolysis, and brachydactyly; Progeroid syndrome, Penttinen type. Identifiers: Orphanet 363665, MedGen C1866182, MONDO:0011150, OMIM 601812.

Submission:

3billion
Classification: Uncertain significance for Acroosteolysis-keloid-like lesions-premature aging syndrome. Last evaluated: 2024-03-25. Review status: criteria provided, single submitter. Criteria: ACMG Guidelines, 2015. Collection method: clinical testing. Allele origin: germline. Affected: yes.
Comment: The variant is not observed in the gnomAD v4.0.0 dataset. Predicted Consequence/Location: Missense variant In silico tool predictions suggest damaging effect of the variant on gene or gene product [REVEL: 0.94 (>=0.6, sensitivity 0.68 and specificity 0.92); 3Cnet: 0.89 (>=0.6, sensitivity 0.72 and precision 0.9)]. Therefore, this variant is classified as VUS according to the recommendation of ACMG/AMP guideline.

NM_002609.4(PDGFRB):c.1760T>C (p.Leu587Pro)

Gene: PDGFRB (platelet derived growth factor receptor beta; minus strand). Cytogenetic location: 5q32.
Variant type: single nucleotide variant.
Coding change: c.1760T>C on transcript NM_002609.4 (MANE Select); coding-DNA position 1760, T replaced by C.
Protein change: p.Leu587Pro; replaces leucine 587 with proline.
Molecular consequence: missense variant.
Genome position (GRCh38, 1-based): chr5:150,125,492, A>G on the plus strand (T>C on the coding strand, the complement: PDGFRB is on the minus strand). VCF-style: chr5-150125492-A-G. GRCh37 (hg19) VCF-style: chr5-149505055-A-G.
Other names: c.1568T>C, p.Leu523Pro (NM_001355016.2); c.1277T>C, p.Leu426Pro (NM_001355017.2); short protein forms L426P, L523P, L587P.
Identifiers: ClinVar variation 3775852 (VCV003775852.1).
Genomic context (GRCh38, chr5:150,125,492, plus strand): 5'-TCTCAGGACTGACCCAGCACAAGCTGGTCCCGCGGCAGCTCCCACGTGGAGTCATAGGGC[A>G]GCTGCATGGGGTCCACGTAGATGTACTCATGGCCGTCAGAGCTCACAGACTCAATCACCT-3'
Protein context (NP_002600.1, residues 577-597): HEYIYVDPMQ[Leu587Pro]PYDSTWELPR